The following is an entry in ClinVar:

NM_001618.4(PARP1):c.370A>G (p.Thr124Ala)

Gene: PARP1 (poly(ADP-ribose) polymerase 1; minus strand). Cytogenetic location: 1q42.12.
Variant type: single nucleotide variant.
Coding change: c.370A>G on transcript NM_001618.4 (MANE Select); coding-DNA position 370, A replaced by G.
Protein change: p.Thr124Ala; replaces threonine 124 with alanine.
Molecular consequence: missense variant.
Genome position (GRCh38, 1-based): chr1:226,392,231, T>C on the plus strand (A>G on the coding strand, the complement: PARP1 is on the minus strand). VCF-style: chr1-226392231-T-C. GRCh37 (hg19) VCF-style: chr1-226579932-T-C.
Other names: short protein forms T124A.
Identifiers: ClinVar variation 496816 (VCV000496816.4), dbSNP rs139924814, ClinGen allele CA1423185.

ClinVar aggregate classification (germline): Uncertain significance (0 of 4 stars; one submission).

Conditions:
Hereditary renal cell carcinoma. Identifiers: MedGen C2608055, MONDO:0003008.

Allele frequency attached by ClinVar (database versions not stated): ExAC 0.00002; TOPMed 0.00009; gnomAD exomes 0.00001 and 0.00002; gnomAD 0.00006; ESP Exome Variant Server 0.00023.
gnomAD v4.1: 38 of 1,613,734 alleles (0.0024%); highest among the groups gnomAD compares: African/African-American, 0.02%; no homozygotes.

Submission:

Arora Lab, Fox Chase Cancer Center
Classification: Uncertain significance. Last evaluated: 2018-02-26. Review status: no assertion criteria provided. Collection method: research. Allele origin: germline. Affected: yes. Observed: 1 variant allele, 1 heterozygote.
Comment: The p.Thr124Ala variant (rs139924814) was found by exome sequencing in a family with cancer history. Inherited from the father, it was found in two siblings affected by renal cancer but not in two other siblings who were unaffected. While reported benign by Polyphen and tolerated by SIFT, it was classified as PM1 (pathogenic moderate) by InterVar for location in a mutational hot spot or well-studied functional domain without benign variation. T124 is located in the C125C128H159C162 zinc finger ZnF2 which strongly interacts with nicked or gapped DNA during the activation by genotoxic stress that results in cleavage of the ADP-ribose moiety from NAD+ to generate poly(ADP-ribosyl)ation of specific nuclear acceptor proteins, including histones, DNA polymerases, and PARP1 itself. The p.Thr124Ala variant is extremely rare, being found at 2/24032 in African and 2/126682 in European (non Finish) in the ExAC dataset (Lek et al. 2016). No direct evidence of pathogenicity was reported, so this variant is reported as VUS.